The following continues an entry in ClinVar:

NM_024675.4(PALB2):c.3251C>T (p.Ser1084Leu)

Gene: PALB2. ClinVar aggregate classification (germline): Conflicting classifications of pathogenicity. Uncertain significance (10); Benign (1); Likely benign (4).

Submissions 11 to 18 of 18:

Ambry Genetics
Classification: Likely benign for Hereditary cancer-predisposing syndrome. Last evaluated: 2021-01-04. Review status: criteria provided, single submitter. Criteria: Ambry Variant Classification Scheme 2023. Collection method: clinical testing. Allele origin: germline.

Fulgent Genetics
Classification: Uncertain significance for Familial cancer of breast; Fanconi anemia complementation group N; Pancreatic cancer, susceptibility to, 3. Last evaluated: 2018-10-31. Review status: criteria provided, single submitter. Criteria: ACMG Guidelines, 2015. Collection method: clinical testing. Allele origin: unknown.

Illumina Laboratory Services, Illumina
Classification: Uncertain significance for Fanconi anemia complementation group N. Last evaluated: 2017-04-27. Review status: criteria provided, single submitter. Criteria: ICSL Variant Classification Criteria 13 December 2019. Collection method: clinical testing. Allele origin: germline.

Color Diagnostics, LLC DBA Color Health
Classification: Likely benign for Hereditary cancer-predisposing syndrome. Last evaluated: 2016-02-17. Review status: criteria provided, single submitter. Criteria: ACMG Guidelines, 2015. Collection method: clinical testing. Allele origin: germline.

Eurofins Ntd Llc (ga)
Classification: Uncertain significance. Last evaluated: 2015-03-03. Review status: criteria provided, single submitter. Criteria: EGL Classification Definitions 2015. Collection method: clinical testing. Allele origin: germline. Observed: 1 variant allele, 1 heterozygote.

Leiden Open Variation Database
Classification: Uncertain significance. Last evaluated: 2019-05-13. Review status: no assertion criteria provided. Collection method: curation. Allele origin: germline. Affected: no. Not counted in ClinVar's aggregate classification.
Comment: Curators: Marc Tischkowitz, Arleen D. Auerbach. Submitters to LOVD: Andreas Laner, Marc Tischkowitz, Melissa DeRycke, Yukihide Momozawa.

Counsyl
Classification: Uncertain significance for Familial cancer of breast. Last evaluated: 2016-09-01. Review status: no assertion criteria provided. Collection method: clinical testing. Allele origin: unknown. Not counted in ClinVar's aggregate classification.

Department of Pathology and Laboratory Medicine, Sinai Health System
Classification: Uncertain significance for Malignant tumor of breast. Review status: no assertion criteria provided. Collection method: clinical testing. Allele origin: unknown. Affected: yes. Study: The Canadian Open Genetics Repository (COGR). Not counted in ClinVar's aggregate classification.
Comment: The PALB2 p.Ser1084Leu variant was identified in 4 of 9012 proband chromosomes (frequency: 0.0004) from individuals or families with breast or ovarian cancer and in 3 of 9030 (frequency: 0.0003) control chromosomes (Wong-Brown 2014, Rahman 2007, Ramus 2015). The variant was also identified in the following databases: dbSNP (ID: rs62625271) as â€šÃ„ÃºWith Uncertain significance alleleâ€šÃ„Ã¹, ClinVar and Clinvitae (6x classified as uncertain significance by GeneDx, Ambry Genetics, EGL Genetic Diagnostics, Invitae, Counsyl and in the PALB2 database), and the LOVD 3.0 database (reported 3x classified as effect unknown or not classified). The variant was not identified in COSMIC, MutDB, or the Zhejiang Colon Cancer Database. The variant was identified in control databases in 25 of 277214 chromosomes (no homozygotes) at a frequency of 0.00009 in the following populations: European non-Finnish in 23 of 126714 chromosomes (freq. 0.0002); Ashkenazi Jewish in 2 of 10152 chromosomes (freq. 0.0002) increasing the likelihood that this may be a low frequency variant in certain populations of origin (Genome Aggregation Consortium Feb 27, 2017). The p.Ser1084Leu residue is not conserved in mammals and four out of five computational analyses (PolyPhen-2, SIFT, AlignGVGD, BLOSUM, MutationTaster) do not suggest a high likelihood of impact to the protein; however, this information is not predictive enough to rule out pathogenicity. The variant occurs outside of the splicing consensus sequence and in silico or computational prediction software programs (SpliceSiteFinder, MaxEntScan, NNSPLICE, GeneSplicer, HumanSpliceFinder) do not predict a difference in splicing. In summary, based on the above information the clinical significance of this variant cannot be determined with certainty at this time. This variant is classified as a variant of uncertain significance.

Literature cited by the submitters: PubMed 23824750 (cited by 8 submitters); PubMed 26315354 (cited by 5 submitters); PubMed 32048105 (cited by 5 submitters); PubMed 35263119 (cited by 3 submitters); PubMed 31586400 (cited by 5 submitters); PubMed 17200668 (cited by 4 submitters); PubMed 30287823 (cited by 5 submitters); PubMed 31422574 (cited by Women's Health and Genetics/Laboratory Corporation of America, LabCorp); PubMed 32885271 (cited by Quest Diagnostics Nichols Institute San Juan Capistrano); PubMed 32546565 (cited by Quest Diagnostics Nichols Institute San Juan Capistrano); PubMed 31214711 (cited by Quest Diagnostics Nichols Institute San Juan Capistrano); PubMed 33471991 (cited by Quest Diagnostics Nichols Institute San Juan Capistrano); PubMed 28779002 (cited by Quest Diagnostics Nichols Institute San Juan Capistrano and Ambry Genetics); PubMed 36243179 (cited by Quest Diagnostics Nichols Institute San Juan Capistrano and Mayo Clinic Laboratories, Mayo Clinic); PubMed 29522266 (cited by Quest Diagnostics Nichols Institute San Juan Capistrano and Ambry Genetics); PubMed 25085752 (cited by Myriad Genetics, Inc.).